The following is an entry in ClinVar:

ClinVar aggregate classification (germline): Uncertain significance (1 of 4 stars; one submission).

Submission:

Labcorp Genetics (formerly Invitae), Labcorp
Classification: Uncertain significance. Last evaluated: 2022-03-13. Review status: criteria provided, single submitter. Criteria: Invitae Variant Classification Sherloc (09022015). Collection method: clinical testing. Allele origin: germline.
Comment: In summary, the available evidence is currently insufficient to determine the role of this variant in disease. Therefore, it has been classified as a Variant of Uncertain Significance. Algorithms developed to predict the effect of missense changes on protein structure and function output the following: SIFT: "Tolerated"; PolyPhen-2: "Benign"; Align-GVGD: "Class C0". The asparagine amino acid residue is found in multiple mammalian species, which suggests that this missense change does not adversely affect protein function. This variant has not been reported in the literature in individuals affected with SETBP1-related conditions. This variant is not present in population databases (gnomAD no frequency). This sequence change replaces serine, which is neutral and polar, with asparagine, which is neutral and polar, at codon 1325 of the SETBP1 protein (p.Ser1325Asn).

NM_015559.3(SETBP1):c.3974G>A (p.Ser1325Asn)

Gene: SETBP1 (SET binding protein 1; plus strand). Cytogenetic location: 18q12.3.
Variant type: single nucleotide variant.
Coding change: c.3974G>A on transcript NM_015559.3 (MANE Select); coding-DNA position 3974, G replaced by A.
Protein change: p.Ser1325Asn; replaces serine 1325 with asparagine.
Molecular consequence: missense variant.
Genome position (GRCh38, 1-based): chr18:44,953,314, G>A. VCF-style: chr18-44953314-G-A. GRCh37 (hg19) VCF-style: chr18-42533279-G-A.
Other names: c.3974G>A, p.Ser1325Asn (NM_001379141.1, NM_001379142.1, NM_001410862.1); short protein forms S1325N.
Identifiers: ClinVar variation 2101095 (VCV002101095.4), dbSNP rs2511477982, ClinGen allele CA402325603.